The following is an entry in ClinVar:

ClinVar aggregate classification (germline): Pathogenic (1 of 4 stars; one submission).

Conditions:
Mucolipidosis type IV (ML4). Also called: ML IV. Identifiers: Orphanet 578, MedGen C0238286, MONDO:0009653, OMIM 252650.

Submission:

Myriad Genetics, Inc.
Classification: Pathogenic for Mucolipidosis type IV. Last evaluated: 2026-06-21. Review status: criteria provided, single submitter. Criteria: Myriad Autosomal Dominant, Autosomal Recessive and X-Linked Classification Criteria (2023). Collection method: clinical testing. Allele origin: unknown.
Comment: NM_020533.2(MCOLN1):c.793A>T(K265*) is expected to be pathogenic in the context of mucolipidosis IV. This variant is predicted to lead to an abnormal or absent protein product due to the creation of a premature termination codon in MCOLN1, a gene where loss-of-function variants are known to be pathogenic. Please note: this variant was assessed in the context of healthy population screening.

NM_020533.3(MCOLN1):c.793A>T (p.Lys265Ter)

Gene: MCOLN1 (mucolipin TRP cation channel 1; plus strand). Cytogenetic location: 19p13.2.
Variant type: single nucleotide variant.
Coding change: c.793A>T on transcript NM_020533.3 (MANE Select); coding-DNA position 793, A replaced by T.
Protein change: p.Lys265Ter; replaces lysine 265 with a stop codon.
Molecular consequence: nonsense.
Genome position (GRCh38, 1-based): chr19:7,528,173, A>T. VCF-style: chr19-7528173-A-T. GRCh37 (hg19) VCF-style: chr19-7593059-A-T.
Other names: short protein forms K265*.
Identifiers: ClinVar variation 5016063 (VCV005016063.1).